The following is an entry in ClinVar:

ClinVar aggregate classification (germline): Likely benign (1 of 4 stars; one submission).

Allele frequency attached by ClinVar (database versions not stated): 1000 Genomes Project 30x 0.00890; 1000 Genomes Project 0.00899; TOPMed 0.01347; gnomAD 0.01561 and 0.01599; gnomAD exomes 0.01924.
gnomAD v4.1: 11,452 of 626,160 alleles (1.8%); highest among the groups gnomAD compares: Non-Finnish European, 2.2%; 115 homozygotes.

Submission:

GeneDx
Classification: Likely benign. Last evaluated: 2018-06-16. Review status: criteria provided, single submitter. Criteria: GeneDx Variant Classification (06012015). Collection method: clinical testing. Allele origin: germline. Affected: yes.
Comment: This variant is considered likely benign or benign based on one or more of the following criteria: it is a conservative change, it occurs at a poorly conserved position in the protein, it is predicted to be benign by multiple in silico algorithms, and/or has population frequency not consistent with disease.

NM_001843.4(CNTN1):c.1380-149C>T

Gene: CNTN1 (contactin 1; plus strand). Cytogenetic location: 12q12.
Variant type: single nucleotide variant.
Coding change: c.1380-149C>T on transcript NM_001843.4 (MANE Select); 149 bases into the intron before coding-DNA position 1380, C replaced by T.
Molecular consequence: intron variant.
Genome position (GRCh38, 1-based): chr12:40,943,448, C>T. VCF-style: chr12-40943448-C-T. GRCh37 (hg19) VCF-style: chr12-41337250-C-T.
Other names: c.1380-149C>T (NM_001256063.2, NM_001256064.2); c.1347-149C>T (NM_175038.2).
Identifiers: ClinVar variation 680275 (VCV000680275.1), dbSNP rs139915282, ClinGen allele CA235405844.